The following is an entry in ClinVar:

ClinVar aggregate classification (germline): Uncertain significance. Review status: criteria provided, multiple submitters, no conflicts (2 of 4 stars). 2 submissions from 2 submitters: Uncertain significance (2). Last evaluated 2024-11-26.

Conditions:
Inborn genetic diseases. Identifiers: MedGen C0950123, MeSH D030342.

Submissions (2):

Ambry Genetics
Classification: Uncertain significance for Inborn genetic diseases. Last evaluated: 2024-11-26. Review status: criteria provided, single submitter. Criteria: Ambry Variant Classification Scheme 2023. Collection method: clinical testing. Allele origin: germline.

Labcorp Genetics (formerly Invitae), Labcorp
Classification: Uncertain significance. Last evaluated: 2022-07-12. Review status: criteria provided, single submitter. Criteria: Invitae Variant Classification Sherloc (09022015). Collection method: clinical testing. Allele origin: germline.
Comment: This variant has not been reported in the literature in individuals affected with COL18A1-related conditions. In summary, the available evidence is currently insufficient to determine the role of this variant in disease. Therefore, it has been classified as a Variant of Uncertain Significance. Experimental studies and prediction algorithms are not available or were not evaluated, and the functional significance of this variant is currently unknown. ClinVar contains an entry for this variant (Variation ID: 1512110). This variant is not present in population databases (gnomAD no frequency). This sequence change replaces proline, which is neutral and non-polar, with leucine, which is neutral and non-polar, at codon 946 of the COL18A1 protein (p.Pro946Leu).

NM_001379500.1(COL18A1):c.2837C>T (p.Pro946Leu)

Genes: SLC19A1 (solute carrier family 19 member 1; minus strand), COL18A1 (collagen type XVIII alpha 1 chain; plus strand). Cytogenetic location: 21q22.3.
Variant type: single nucleotide variant.
Coding change: c.2837C>T on transcript NM_001379500.1 (MANE Select); coding-DNA position 2837, C replaced by T.
Protein change: p.Pro946Leu; replaces proline 946 with leucine.
Molecular consequence: missense variant.
Genome position (GRCh38, 1-based): chr21:45,504,534, C>T. VCF-style: chr21-45504534-C-T. GRCh37 (hg19) VCF-style: chr21-46924448-C-T.
Other names: NM_130445.2:c.2837C>T; c.3377C>T, p.Pro1126Leu (NM_030582.4); c.4082C>T, p.Pro1361Leu (NM_130444.3); short protein forms P1126L, P1361L, P946L.
Identifiers: ClinVar variation 1512110 (VCV001512110.7), dbSNP rs2037068179, ClinGen allele CA410499317.